The following is an entry in ClinVar:

NM_007294.4(BRCA1):c.2376del (p.Lys793fs)

Gene: BRCA1 (BRCA1 DNA repair associated; minus strand). Cytogenetic location: 17q21.31.
Variant type: Deletion.
Coding change: c.2376del on transcript NM_007294.4 (MANE Select); coding-DNA position 2376, one base deleted (G; older notation c.2376delG).
Protein change: p.Lys793fs; shifts the reading frame from lysine 793.
Molecular consequence: frameshift variant. On other transcripts: intron variant (137).
Genome position (GRCh38, 1-based): chr17:43,093,155, C deleted on the plus strand (G on the coding strand, the reverse complement: BRCA1 is on the minus strand); the first of 3 consecutive C bases (chr17:43,093,155-43,093,157); deleting any one gives the same sequence. VCF-style (leftmost placement, unchanged base first): chr17-43093154-TC-T. GRCh37 (hg19) VCF-style: chr17-41245171-TC-T.
Other names: 2495delG; c.2376delG (NM_007294.3); c.2163del, p.Lys722fs (NM_001407571.1, NM_001407853.1, NM_001407894.1 and 9 more transcripts); c.2376del, p.Lys793fs (NM_001407581.1, NM_001407582.1, NM_001407583.1 and 30 more transcripts); c.2373del, p.Lys792fs (NM_001407587.1, NM_001407590.1, NM_001407591.1 and 22 more transcripts); c.2367del, p.Lys790fs (NM_001407646.1, NM_001407647.1); c.2253del, p.Lys752fs (NM_001407648.1, NM_001407664.1, NM_001407665.1 and 19 more transcripts); c.2250del, p.Lys751fs (NM_001407649.1, NM_001407670.1, NM_001407671.1 and 11 more transcripts); and 43 more; short protein forms K793fs, K746fs, K625fs, K745fs, K752fs, K665fs, K704fs, K722fs.
Identifiers: ClinVar variation 125560 (VCV000125560.3), dbSNP rs80357913, ClinGen allele CA001581.

ClinVar aggregate classification (germline): Pathogenic. Review status: reviewed by expert panel (3 of 4 stars). 2 submissions from 2 submitters: Pathogenic (1). 1 of the submissions does not count toward it. Last evaluated 2016-09-08.

Conditions:
Breast-ovarian cancer, familial, susceptibility to, 1 (BROVCA1). Also called: BRCA1 Hereditary Breast and Ovarian Cancer; OVARIAN CANCER, SUSCEPTIBILITY TO. Identifiers: Orphanet 145, MedGen C2676676, MONDO:0011450, OMIM 604370. Disease mechanism: loss of function.

Submissions (2):

Evidence-based Network for the Interpretation of Germline Mutant Alleles (ENIGMA)
Classification: Pathogenic for Breast-ovarian cancer, familial, susceptibility to, 1. Last evaluated: 2016-09-08. Review status: reviewed by expert panel. Criteria: ENIGMA BRCA1/2 Classification Criteria (2015). Collection method: curation. Allele origin: germline.
Comment: Variant allele predicted to encode a truncated non-functional protein.

Breast Cancer Information Core (BIC) (BRCA1)
Classification: Pathogenic for Breast-ovarian cancer, familial 1. Last evaluated: 2004-11-25. Review status: no assertion criteria provided. Collection method: clinical testing. Allele origin: germline. Affected: yes. Observed: 1 variant allele. Not counted in ClinVar's aggregate classification.